The following is an entry in ClinVar:

NM_170707.4(LMNA):c.52_53dup (p.Thr19fs)

Genes: LMNA (lamin A/C; plus strand), LOC129931597 (ATAC-STARR-seq lymphoblastoid silent region 1421; plus strand). Cytogenetic location: 1q22.
Variant type: Duplication.
Coding change: c.52_53dup on transcript NM_170707.4 (MANE Select); coding-DNA positions 52 to 53, 2 bases duplicated (TC; older notation c.52_53dupTC).
Protein change: p.Thr19fs; shifts the reading frame from threonine 19.
Molecular consequence: frameshift variant.
Genome position (GRCh38, 1-based): chr1:156,114,970-156,114,971, TC duplicated; duplicating any 2 consecutive bases within chr1:156,114,969-156,114,971 gives the same sequence; the c. name uses the placement nearest the transcript's 3' end. VCF-style (leftmost placement, unchanged base first): chr1-156114968-G-GCT. GRCh37 (hg19) VCF-style: chr1-156084759-G-GCT.
Other names: c.52_53dupTC (NM_170707.3); c.52_53dup, p.Thr19fs (NM_001282625.2, NM_001282626.2, NM_005572.4 and 1 more transcripts); short protein forms T19fs.
Identifiers: ClinVar variation 543212 (VCV000543212.10), dbSNP rs1553261855, ClinGen allele CA658795525.

ClinVar aggregate classification (germline): Pathogenic/Likely pathogenic. Review status: criteria provided, multiple submitters, no conflicts (2 of 4 stars). 2 submissions from 2 submitters: Pathogenic (1); Likely pathogenic (1). Last evaluated 2023-05-31.

Conditions:
Primary dilated cardiomyopathy (DCM). Also called: Dilated Cardiomyopathy. Identifiers: Orphanet 217604, MedGen C0007193, MeSH D002311, MONDO:0005021, HP:0001644. Inheritance: Various modes of inheritance.
Charcot-Marie-Tooth disease type 2. Also called: Charcot-Marie-Tooth type 2. Identifiers: Orphanet 64746, MedGen C0270914, MONDO:0018993.

Submissions (2):

All of Us Research Program, National Institutes of Health
Classification: Likely pathogenic for Primary dilated cardiomyopathy. Last evaluated: 2023-05-31. Review status: criteria provided, single submitter. Criteria: ACMG Guidelines, 2015. Collection method: clinical testing. Allele origin: germline. Inheritance: Autosomal dominant inheritance. Observed: 1 variant allele, 1 heterozygote.
Comment: The c.52_53dup (p.Thr19Profs*78) variant of the LMNA gene is located on the exon 1 and is predicted to cause reading frame shift that introduces a premature translation termination codon (p.Thr19Profs*78), resulting in an absent or disrupted protein product. Loss-of-function variants in LMNA are known to be pathogenic and frameshift/truncating variants located upstream and downstream to this position have been reported in individuals with dilated cardiomyopathy (PMID: 11138304, 12854972, 12920062). The variant is reported in ClinVar (ID: 543212). This variant is absent in the general population database (gnomAD). Therefore, the c.52_53dup (p.Thr19Profs*78) variant of LMNA has been classified as likely pathogenic.

This study involves interpretation of variants in research participants for the purpose of population health screening. Participant phenotype was not available at the time of variant classification. Additional details can be found in publication PMID: 35346344, PMCID: PMC8962531

Labcorp Genetics (formerly Invitae), Labcorp
Classification: Pathogenic for Charcot-Marie-Tooth disease type 2. Last evaluated: 2023-04-28. Review status: criteria provided, single submitter. Criteria: Invitae Variant Classification Sherloc (09022015). Collection method: clinical testing. Allele origin: germline.
Comment: For these reasons, this variant has been classified as Pathogenic. ClinVar contains an entry for this variant (Variation ID: 543212). This variant is also known as c.50_51insCT, Ser17fs. This premature translational stop signal has been observed in individual(s) with dilated cardiomyopathy (PMID: 25163546). This variant is not present in population databases (gnomAD no frequency). This sequence change creates a premature translational stop signal (p.Thr19Profs*78) in the LMNA gene. It is expected to result in an absent or disrupted protein product. Loss-of-function variants in LMNA are known to be pathogenic (PMID: 18585512, 18926329).

Literature cited by the submitters: PubMed 11138304 (cited by All of Us Research Program, National Institutes of Health); PubMed 12854972 (cited by All of Us Research Program, National Institutes of Health); PubMed 12920062 (cited by All of Us Research Program, National Institutes of Health); PubMed 25163546 (cited by Labcorp Genetics (formerly Invitae), Labcorp); PubMed 18585512 (cited by Labcorp Genetics (formerly Invitae), Labcorp); PubMed 18926329 (cited by Labcorp Genetics (formerly Invitae), Labcorp).